The following is an entry in ClinVar:

NM_001035.3(RYR2):c.1478G>T (p.Gly493Val)

Gene: RYR2 (ryanodine receptor 2; plus strand). Cytogenetic location: 1q43.
Variant type: single nucleotide variant.
Coding change: c.1478G>T on transcript NM_001035.3 (MANE Select); coding-DNA position 1478, G replaced by T.
Protein change: p.Gly493Val; replaces glycine 493 with valine.
Molecular consequence: missense variant.
Genome position (GRCh38, 1-based): chr1:237,456,601, G>T. VCF-style: chr1-237456601-G-T. GRCh37 (hg19) VCF-style: chr1-237619901-G-T.
Other names: short protein forms G493V.
Identifiers: ClinVar variation 4759082 (VCV004759082.1).

ClinVar aggregate classification (germline): Uncertain significance (1 of 4 stars; one submission).

Conditions:
Cardiomyopathy (CMYO). Also called: Cardiomyopathies. Identifiers: Orphanet 167848, MedGen C0878544, MONDO:0004994, HP:0001638. Inheritance: Various modes of inheritance.

Submission:

Color Diagnostics, LLC DBA Color Health
Classification: Uncertain significance for Cardiomyopathy. Last evaluated: 2025-07-28. Review status: criteria provided, single submitter. Criteria: ACMG Guidelines, 2015. Collection method: clinical testing. Allele origin: germline.
Comment: This missense variant replaces glycine with valine at codon 493 of the RYR2 protein. Computational prediction suggests that this variant may have deleterious impact on protein structure and function. To our knowledge, functional studies have not been reported for this variant. This variant has not been reported in individuals affected with RYR2-related disorders in the literature. This variant has not been identified in the general population by the Genome Aggregation Database (gnomAD). The available evidence is insufficient to determine the role of this variant in disease conclusively. Therefore, this variant is classified as a Variant of Uncertain Significance.